The following is an entry in ClinVar:

ClinVar aggregate classification (germline): Uncertain significance. Review status: criteria provided, multiple submitters, no conflicts (2 of 4 stars). 7 submissions from 7 submitters: Uncertain significance (6). 1 of the submissions does not count toward it. Last evaluated 2025-11-30.

Conditions:
ATM-related disorder. Also called: ATM-related disorders; ATM-related condition.
Hereditary cancer-predisposing syndrome. Also called: Neoplastic Syndromes, Hereditary; Hereditary Cancer Syndrome; Tumor predisposition; Hereditary neoplastic syndrome. Identifiers: Orphanet 140162, MedGen C0027672, MeSH D009386, MONDO:0015356.
Familial cancer of breast. Also called: Hereditary breast cancer; BREAST CANCER, FAMILIAL; hereditary breast carcinoma. Identifiers: Orphanet 227535, MedGen C0346153, MONDO:0016419, OMIM 114480. Disease mechanism: loss of function.
Ataxia-telangiectasia syndrome (AT). Also called: LOUIS-BAR SYNDROME; Cerebello-oculocutaneous telangiectasia; Immunodeficiency with ataxia telangiectasia; Ataxia-telangiectasia, complementation group D; AT, COMPLEMENTATION GROUP C; Ataxia-telangiectasia, complementation group E. Identifiers: Orphanet 100, MedGen C0004135, MONDO:0008840, OMIM 208900.

Allele frequency attached by ClinVar (database versions not stated): gnomAD exomes below 0.00001; TOPMed below 0.00001.
gnomAD v4.1: 1 of 1,613,968 alleles (0.000062%); highest among the groups gnomAD compares: African/African-American, 0.0013%; no homozygotes.

Submissions (7):

Labcorp Genetics (formerly Invitae), Labcorp
Classification: Uncertain significance for Ataxia-telangiectasia syndrome. Last evaluated: 2025-11-30. Review status: criteria provided, single submitter. Criteria: Invitae Variant Classification Sherloc (09022015). Collection method: clinical testing. Allele origin: germline.
Comment: This sequence change replaces tyrosine, which is neutral and polar, with histidine, which is basic and polar, at codon 2334 of the ATM protein (p.Tyr2334His). This variant is not present in population databases (gnomAD no frequency). This variant has not been reported in the literature in individuals affected with ATM-related conditions. ClinVar contains an entry for this variant (Variation ID: 418584). Invitae Evidence Modeling of protein sequence and biophysical properties (such as structural, functional, and spatial information, amino acid conservation, physicochemical variation, residue mobility, and thermodynamic stability) indicates that this missense variant is not expected to disrupt ATM protein function with a negative predictive value of 95%. In summary, the available evidence is currently insufficient to determine the role of this variant in disease. Therefore, it has been classified as a Variant of Uncertain Significance.

Ambry Genetics
Classification: Uncertain significance for Hereditary cancer-predisposing syndrome. Last evaluated: 2025-04-08. Review status: criteria provided, single submitter. Criteria: Ambry Variant Classification Scheme 2023. Collection method: clinical testing. Allele origin: germline.
Comment: The p.Y2334H variant (also known as c.7000T>C), located in coding exon 47 of the ATM gene, results from a T to C substitution at nucleotide position 7000. The tyrosine at codon 2334 is replaced by histidine, an amino acid with similar properties. This amino acid position is well conserved in available vertebrate species; however, histidine is the reference amino acid in other vertebrate species. In addition, this alteration is predicted to be tolerated by in silico analysis. Since supporting evidence is limited at this time, the clinical significance of this alteration remains unclear.

Women's Health and Genetics/Laboratory Corporation of America, LabCorp
Classification: Uncertain significance. Last evaluated: 2024-04-07. Review status: criteria provided, single submitter. Criteria: LabCorp Variant Classification Summary - May 2015. Collection method: clinical testing. Allele origin: germline.

Baylor Genetics
Classification: Uncertain significance for Familial cancer of breast. Last evaluated: 2023-06-23. Review status: criteria provided, single submitter. Criteria: ACMG Guidelines, 2015. Collection method: clinical testing. Allele origin: unknown.

Color Diagnostics, LLC DBA Color Health
Classification: Uncertain significance for Hereditary cancer-predisposing syndrome. Last evaluated: 2019-04-11. Review status: criteria provided, single submitter. Criteria: ACMG Guidelines, 2015. Collection method: clinical testing. Allele origin: germline.

GeneDx
Classification: Uncertain significance. Last evaluated: 2016-07-26. Review status: criteria provided, single submitter. Criteria: GeneDx Variant Classification (06012015). Collection method: clinical testing. Allele origin: germline. Affected: yes.
Comment: This variant is denoted ATM c.7000T>C at the cDNA level, p.Tyr2334His (Y2334H) at the protein level, and results in the change of a Tyrosine to a Histidine (TAC>CAC). This variant has not, to our knowledge, been published in the literature as pathogenic or benign. ATM Tyr2334His was not observed in approximately 6,500 individuals of European and African American ancestry in the NHLBI Exome Sequencing Project, suggesting it is not a common benign variant in these populations. Since Tyrosine and Histidine differ in polarity, charge, size or other properties, this is considered a non-conservative amino acid substitution. ATM Tyr2334His occurs at a position that is not conserved and is located in the within FAT domain (Tavtigian 2009, Stracker 2013). In silico analyses are inconsistent regarding the effect this variant may have on protein structure and function. Based on currently available evidence, it is unclear whether ATM Tyr2334His is a pathogenic or benign variant. We consider it to be a variant of uncertain significance.

PreventionGenetics, part of Exact Sciences
Classification: Uncertain significance for ATM-related condition. Last evaluated: 2023-12-27. Review status: no assertion criteria provided. Collection method: clinical testing. Allele origin: germline. Not counted in ClinVar's aggregate classification.
Comment: The ATM c.7000T>C variant is predicted to result in the amino acid substitution p.Tyr2334His. To our knowledge, this variant has not been reported in the literature or in a large population database, indicating this variant is rare. This variant is interpreted as a variant of uncertain significance in ClinVar. At this time, the clinical significance of this variant is uncertain due to the absence of conclusive functional and genetic evidence.

NM_000051.4(ATM):c.7000T>C (p.Tyr2334His)

Genes: ATM (ATM serine/threonine kinase; plus strand), C11orf65 (chromosome 11 open reading frame 65; minus strand). Cytogenetic location: 11q22.3.
Variant type: single nucleotide variant.
Coding change: c.7000T>C on transcript NM_000051.4 (MANE Select); coding-DNA position 7000, T replaced by C.
Protein change: p.Tyr2334His; replaces tyrosine 2334 with histidine.
Molecular consequence: missense variant. On other transcripts: intron variant (2).
Genome position (GRCh38, 1-based): chr11:108,327,669, T>C. VCF-style: chr11-108327669-T-C. GRCh37 (hg19) VCF-style: chr11-108198396-T-C.
Other names: c.7000T>C, p.Tyr2334His (NM_001351834.2); c.641-18598A>G (NM_001330368.2); c.*38+7551A>G (NM_001351110.2); short protein forms Y2334H.
Identifiers: ClinVar variation 418584 (VCV000418584.20), dbSNP rs1064793312, ClinGen allele CA16619226.
Genomic context (GRCh38, chr11:108,327,669, plus strand): 5'-TGCATTATATTTTAAGATTTTGCCTTTCTTATACAGAACAATCCCAGCCTAAAACTTACA[T>C]ACACAGAATGTCTGAGGGTTTGTGGCAACTGGTTAGCAGAAACGTGCTTAGAAAATCCTG-3'
Protein context (NP_000042.3, residues 2324-2344): AANNPSLKLT[Tyr2334His]TECLRVCGNW